The following is an entry in ClinVar:

NM_000094.4(COL7A1):c.4726C>A (p.Pro1576Thr)

Gene: COL7A1 (collagen type VII alpha 1 chain; minus strand). Cytogenetic location: 3p21.31.
Variant type: single nucleotide variant.
Coding change: c.4726C>A on transcript NM_000094.4 (MANE Select); coding-DNA position 4726, C replaced by A.
Protein change: p.Pro1576Thr; replaces proline 1576 with threonine.
Molecular consequence: missense variant.
Genome position (GRCh38, 1-based): chr3:48,581,629, G>T on the plus strand (C>A on the coding strand, the complement: COL7A1 is on the minus strand). VCF-style: chr3-48581629-G-T. GRCh37 (hg19) VCF-style: chr3-48619062-G-T.
Other names: short protein forms P1576T.
Identifiers: ClinVar variation 3635678 (VCV003635678.2).

ClinVar aggregate classification (germline): Uncertain significance (1 of 4 stars; one submission).

Submission:

Labcorp Genetics (formerly Invitae), Labcorp
Classification: Uncertain significance. Last evaluated: 2024-12-05. Review status: criteria provided, single submitter. Criteria: Invitae Variant Classification Sherloc (09022015). Collection method: clinical testing. Allele origin: germline.
Comment: This sequence change replaces proline, which is neutral and non-polar, with threonine, which is neutral and polar, at codon 1576 of the COL7A1 protein (p.Pro1576Thr). This variant is not present in population databases (gnomAD no frequency). This variant has not been reported in the literature in individuals affected with COL7A1-related conditions. Invitae Evidence Modeling of protein sequence and biophysical properties (such as structural, functional, and spatial information, amino acid conservation, physicochemical variation, residue mobility, and thermodynamic stability) indicates that this missense variant is not expected to disrupt COL7A1 protein function with a negative predictive value of 95%. In summary, the available evidence is currently insufficient to determine the role of this variant in disease. Therefore, it has been classified as a Variant of Uncertain Significance.